The following is an entry in ClinVar:

NM_001048174.2(MUTYH):c.1319C>G (p.Thr440Ser)

Gene: MUTYH (mutY DNA glycosylase; minus strand). Cytogenetic location: 1p34.1.
Variant type: single nucleotide variant.
Coding change: c.1319C>G on transcript NM_001048174.2 (MANE Select); coding-DNA position 1319, C replaced by G.
Protein change: p.Thr440Ser; replaces threonine 440 with serine.
Molecular consequence: missense variant. On other transcripts: non-coding transcript variant (7).
Genome position (GRCh38, 1-based): chr1:45,331,255, G>C on the plus strand (C>G on the coding strand, the complement: MUTYH is on the minus strand). VCF-style: chr1-45331255-G-C. GRCh37 (hg19) VCF-style: chr1-45796927-G-C.
Other names: c.1319C>G, p.Thr440Ser (NM_001048171.2, NM_001048173.2, NM_001293195.2 and 6 more transcripts); c.1322C>G, p.Thr441Ser (NM_001048172.2, NM_001407071.1, NM_001407078.1 and 1 more transcripts); c.1403C>G, p.Thr468Ser (NM_001128425.2); c.1364C>G, p.Thr455Ser (NM_001293190.2); c.1352C>G, p.Thr451Ser (NM_001293191.2, NM_001407069.1, NM_001407077.1); c.1043C>G, p.Thr348Ser (NM_001293192.2, NM_001293196.2, NM_001407091.1); c.974C>G, p.Thr325Ser (NM_001350650.2, NM_001350651.2, NM_001407082.1); c.1235C>G, p.Thr412Ser (NM_001407075.1); and 5 more; short protein forms T348S, T412S, T427S, T440S, T447S, T454S, T465S, T468S.
Identifiers: ClinVar variation 4113220 (VCV004113220.1).

ClinVar aggregate classification (germline): Uncertain significance (1 of 4 stars; one submission).

Conditions:
Hereditary cancer-predisposing syndrome. Also called: Tumor predisposition; Neoplastic Syndromes, Hereditary; Hereditary neoplastic syndrome; Hereditary Cancer Syndrome. Identifiers: Orphanet 140162, MedGen C0027672, MeSH D009386, MONDO:0015356.

Submission:

Ambry Genetics
Classification: Uncertain significance for Hereditary cancer-predisposing syndrome. Last evaluated: 2025-08-27. Review status: criteria provided, single submitter. Criteria: Ambry Variant Classification Scheme 2023. Collection method: clinical testing. Allele origin: germline.
Comment: The p.T468S variant (also known as c.1403C>G), located in coding exon 14 of the MUTYH gene, results from a C to G substitution at nucleotide position 1403. The threonine at codon 468 is replaced by serine, an amino acid with similar properties. This amino acid position is conserved. In addition, this alteration is predicted to be tolerated by in silico analysis. Based on the available evidence, the clinical significance of this variant remains unclear.